The following is an entry in ClinVar:

ClinVar aggregate classification (germline): Uncertain significance (1 of 4 stars; one submission).

Conditions:
Autosomal recessive limb-girdle muscular dystrophy type 2O. Also called: Limb-Girdle Muscular Dystrophy Type 3C; MUSCULAR DYSTROPHY-DYSTROGLYCANOPATHY (LIMB-GIRDLE), TYPE C, 3; MUSCULAR DYSTROPHY-DYSTROGLYCANOPATHY, LIMB-GIRDLE, POMGNT1-RELATED. Identifiers: Orphanet 206564, MedGen C3150417, MONDO:0013161, OMIM 613157.
Muscular dystrophy-dystroglycanopathy (congenital with impaired intellectual development), type B, 3. Also called: Muscular dystrophy-dystroglycanopathy (congenital with intellectual disability), type B3; MUSCULAR DYSTROPHY, CONGENITAL, POMGNT1-RELATED. Identifiers: MedGen C3150412, MONDO:0013155, OMIM 613151.

Submission:

Labcorp Genetics (formerly Invitae), Labcorp
Classification: Uncertain significance for Autosomal recessive limb-girdle muscular dystrophy type 2O; Muscular dystrophy-dystroglycanopathy (congenital with impaired intellectual development), type B, 3. Last evaluated: 2021-03-07. Review status: criteria provided, single submitter. Criteria: Invitae Variant Classification Sherloc (09022015). Collection method: clinical testing. Allele origin: germline.
Comment: Experimental studies and prediction algorithms are not available or were not evaluated, and the functional significance of this variant is currently unknown. This variant has not been reported in the literature in individuals with POMGNT1-related conditions. This variant results in a copy number gain of the genomic region encompassing exon(s) 20-22 of the POMGNT1 gene. The 5' boundary is likely confined to intron 19. The 3' end of this event is unknown as it extends beyond the assayed region for this gene and therefore may encompass additional genes. As the precise location of this event is unknown, it may be in tandem or it may be located elsewhere in the genome. In summary, the available evidence is currently insufficient to determine the role of this variant in disease. Therefore, it has been classified as a Variant of Uncertain Significance.

NC_000001.10:g.(?_46654942)_(46655681_?)dup

Gene: POMGNT1 (protein O-linked mannose N-acetylglucosaminyltransferase 1 (beta 1,2-); minus strand). Cytogenetic location: 1p34.1.
Variant type: Duplication.
Identifiers: ClinVar variation 1513669 (VCV001513669.6).